The following is an entry in ClinVar:

ClinVar aggregate classification (germline): Uncertain significance. Review status: criteria provided, multiple submitters, no conflicts (2 of 4 stars). 2 submissions from 2 submitters: Uncertain significance (2). Last evaluated 2019-10-16.

Allele frequency attached by ClinVar (database versions not stated): gnomAD 0.00001; gnomAD exomes 0.00001 and 0.00002; TOPMed 0.00001.
gnomAD v4.1: 30 of 1,613,356 alleles (0.0019%); highest among the groups gnomAD compares: Non-Finnish European, 0.0022%; no homozygotes.

Submissions (2):

GeneDx
Classification: Uncertain significance. Last evaluated: 2019-10-16. Review status: criteria provided, single submitter. Criteria: GeneDx Variant Classification Process June 2021. Collection method: clinical testing. Allele origin: germline. Affected: yes.
Comment: Has not been previously published as pathogenic or benign to our knowledge; Not observed at a significant frequency in large population cohorts (Lek et al., 2016); In silico analysis, which includes protein predictors and evolutionary conservation, supports a deleterious effect

Blueprint Genetics
Classification: Uncertain significance. Last evaluated: 2017-09-15. Review status: criteria provided, single submitter. Criteria: ACMG Guidelines, 2015. Collection method: clinical testing. Allele origin: germline.

NM_022114.4(PRDM16):c.1826C>T (p.Thr609Ile)

Gene: PRDM16 (PR/SET domain 16; plus strand). Cytogenetic location: 1p36.32.
Variant type: single nucleotide variant.
Coding change: c.1826C>T on transcript NM_022114.4 (MANE Select); coding-DNA position 1826, C replaced by T.
Protein change: p.Thr609Ile; replaces threonine 609 with isoleucine.
Molecular consequence: missense variant.
Genome position (GRCh38, 1-based): chr1:3,412,023, C>T. VCF-style: chr1-3412023-C-T. GRCh37 (hg19) VCF-style: chr1-3328587-C-T.
Other names: c.1826C>T, p.Thr609Ile (NM_199454.3); short protein forms T609I.
Identifiers: ClinVar variation 1309321 (VCV001309321.3), dbSNP rs1328982704, ClinGen allele CA337999117.